The following is an entry in ClinVar:

ClinVar aggregate classification (germline): Uncertain significance (1 of 4 stars; one submission).

Conditions:
Conotruncal heart malformations (CTHM). Also called: Conotruncal heart malformations, variable. Identifiers: Orphanet 2445, Orphanet 3384, Orphanet 3426, MedGen C1857586, MONDO:0016581, OMIM 217095.

Submission:

Labcorp Genetics (formerly Invitae), Labcorp
Classification: Uncertain significance for Conotruncal heart malformations. Last evaluated: 2025-07-10. Review status: criteria provided, single submitter. Criteria: Invitae Variant Classification Sherloc (09022015). Collection method: clinical testing. Allele origin: germline.
Comment: This sequence change replaces aspartic acid, which is acidic and polar, with histidine, which is basic and polar, at codon 84 of the NKX2-6 protein (p.Asp84His). This variant is present in population databases (no rsID available, gnomAD 0.01%). This variant has not been reported in the literature in individuals affected with NKX2-6-related conditions. ClinVar contains an entry for this variant (Variation ID: 3730241). Invitae Evidence Modeling of protein sequence and biophysical properties (such as structural, functional, and spatial information, amino acid conservation, physicochemical variation, residue mobility, and thermodynamic stability) indicates that this missense variant is not expected to disrupt NKX2-6 protein function with a negative predictive value of 80%. In summary, the available evidence is currently insufficient to determine the role of this variant in disease. Therefore, it has been classified as a Variant of Uncertain Significance.

NM_001136271.3(NKX2-6):c.250G>C (p.Asp84His)

Gene: NKX2-6 (NK2 homeobox 6; minus strand). Cytogenetic location: 8p21.2.
Variant type: single nucleotide variant.
Coding change: c.250G>C on transcript NM_001136271.3 (MANE Select); coding-DNA position 250, G replaced by C.
Protein change: p.Asp84His; replaces aspartic acid 84 with histidine.
Molecular consequence: missense variant.
Genome position (GRCh38, 1-based): chr8:23,706,349, C>G on the plus strand (G>C on the coding strand, the complement: NKX2-6 is on the minus strand). VCF-style: chr8-23706349-C-G. GRCh37 (hg19) VCF-style: chr8-23563862-C-G.
Other names: short protein forms D84H.
Identifiers: ClinVar variation 3730241 (VCV003730241.2).